The following is an entry in ClinVar:

ClinVar aggregate classification (germline): Likely benign. Review status: criteria provided, single submitter (1 of 4 stars). 3 submissions from 3 submitters: Likely benign (1). 2 of the submissions do not count toward it. Last evaluated 2022-10-07.

Conditions:
Roberts-SC phocomelia syndrome (RBS). Also called: Pseudothalidomide syndrome; Appelt-Gerken-Lenz syndrome; ESCO2 Spectrum Disorder; Hypomelia hypotrichosis facial hemangioma syndrome; LONG BONE DEFICIENCIES ASSOCIATED WITH CLEFT LIP-PALATE. Identifiers: Orphanet 3103, MedGen C0392475, MONDO:0100253, OMIM 268300.
ESCO2-related disorder. Also called: ESCO2-related condition.

Allele frequency attached by ClinVar (database versions not stated): ExAC 0.00001; gnomAD exomes 0.00001; 1000 Genomes Project 0.00020; 1000 Genomes Project 30x 0.00031.
gnomAD v4.1: 16 of 1,613,066 alleles (0.00099%); highest among the groups gnomAD compares: East Asian, 0.0045%; no homozygotes.

Submissions (3):

Labcorp Genetics (formerly Invitae), Labcorp
Classification: Likely benign. Last evaluated: 2022-10-07. Review status: criteria provided, single submitter. Criteria: Invitae Variant Classification Sherloc (09022015). Collection method: clinical testing. Allele origin: germline.

PreventionGenetics, part of Exact Sciences
Classification: Likely benign for ESCO2-related condition. Last evaluated: 2024-08-13. Review status: no assertion criteria provided. Collection method: clinical testing. Allele origin: germline. Not counted in ClinVar's aggregate classification.
Comment: This variant is classified as likely benign based on ACMG/AMP sequence variant interpretation guidelines (Richards et al. 2015 PMID: 25741868, with internal and published modifications).

Natera, Inc.
Classification: Likely benign for Roberts syndrome. Last evaluated: 2021-08-02. Review status: no assertion criteria provided. Collection method: clinical testing. Allele origin: germline. Not counted in ClinVar's aggregate classification.

NM_001017420.3(ESCO2):c.666G>A (p.Ser222=)

Gene: ESCO2 (establishment of sister chromatid cohesion N-acetyltransferase 2; plus strand). Cytogenetic location: 8p21.1.
Variant type: single nucleotide variant.
Coding change: c.666G>A on transcript NM_001017420.3 (MANE Select); coding-DNA position 666, G replaced by A.
Protein change: p.Ser222=; no amino-acid change (serine 222 retained).
Molecular consequence: synonymous variant.
Genome position (GRCh38, 1-based): chr8:27,776,974, G>A. VCF-style: chr8-27776974-G-A. GRCh37 (hg19) VCF-style: chr8-27634491-G-A.
Other names: c.666G>A (NM_001017420.2).
Identifiers: ClinVar variation 1115634 (VCV001115634.9), dbSNP rs201608468, ClinGen allele CA4692089.